The following is an entry in ClinVar:

NM_006514.4(SCN10A):c.3776G>A (p.Arg1259Gln)

Gene: SCN10A (sodium voltage-gated channel alpha subunit 10; minus strand). Cytogenetic location: 3p22.2.
Variant type: single nucleotide variant.
Coding change: c.3776G>A on transcript NM_006514.4 (MANE Select); coding-DNA position 3776, G replaced by A.
Protein change: p.Arg1259Gln; replaces arginine 1259 with glutamine.
Molecular consequence: missense variant.
Genome position (GRCh38, 1-based): chr3:38,713,986, C>T on the plus strand (G>A on the coding strand, the complement: SCN10A is on the minus strand). VCF-style: chr3-38713986-C-T. GRCh37 (hg19) VCF-style: chr3-38755477-C-T.
Other names: c.3773G>A, p.Arg1258Gln (NM_001293306.2); c.3482G>A, p.Arg1161Gln (NM_001293307.2); short protein forms R1161Q, R1258Q, R1259Q.
Identifiers: ClinVar variation 1058943 (VCV001058943.9), dbSNP rs957441210, ClinGen allele CA72951119.

ClinVar aggregate classification (germline): Uncertain significance. Review status: criteria provided, multiple submitters, no conflicts (2 of 4 stars). 3 submissions from 3 submitters: Uncertain significance (3). Last evaluated 2024-12-17.

Conditions:
Cardiovascular phenotype. Identifiers: MedGen CN230736.
Brugada syndrome. Also called: Sudden unexpected nocturnal death syndrome; Sudden Unexplained Death Syndrome; Sudden Unexplained Nocturnal Death Syndrome (SUNDS); Sudden unexplained nocturnal death syndrome. Identifiers: Orphanet 130, MedGen C1142166, MONDO:0015263.

Allele frequency attached by ClinVar (database versions not stated): gnomAD 0.00001; gnomAD exomes 0.00001; TOPMed 0.00001.
gnomAD v4.1: 16 of 1,613,756 alleles (0.00099%); highest among the groups gnomAD compares: Non-Finnish European, 0.0013%; no homozygotes.

Submissions (3):

GeneDx
Classification: Uncertain significance. Last evaluated: 2024-12-17. Review status: criteria provided, single submitter. Criteria: GeneDx Variant Classification Process June 2021. Collection method: clinical testing. Allele origin: germline. Affected: yes.
Comment: Not observed at significant frequency in large population cohorts (gnomAD); In silico analysis supports that this missense variant has a deleterious effect on protein structure/function; Identified in patient(s) with palpitations, presyncope/syncope, and prolonged QT (PMID: 28407228); This variant is associated with the following publications: (PMID: 28407228)

Ambry Genetics
Classification: Uncertain significance for Cardiovascular phenotype. Last evaluated: 2023-12-17. Review status: criteria provided, single submitter. Criteria: Ambry Variant Classification Scheme 2023. Collection method: clinical testing. Allele origin: germline.

Labcorp Genetics (formerly Invitae), Labcorp
Classification: Uncertain significance for Brugada syndrome. Last evaluated: 2022-08-22. Review status: criteria provided, single submitter. Criteria: Invitae Variant Classification Sherloc (09022015). Collection method: clinical testing. Allele origin: germline.
Comment: In summary, the available evidence is currently insufficient to determine the role of this variant in disease. Therefore, it has been classified as a Variant of Uncertain Significance. Algorithms developed to predict the effect of sequence changes on RNA splicing suggest that this variant may create or strengthen a splice site. Advanced modeling of protein sequence and biophysical properties (such as structural, functional, and spatial information, amino acid conservation, physicochemical variation, residue mobility, and thermodynamic stability) performed at Invitae indicates that this missense variant is expected to disrupt SCN10A protein function. ClinVar contains an entry for this variant (Variation ID: 1058943). This missense change has been observed in individual(s) with long QT syndrome (PMID: 28407228). This variant is not present in population databases (gnomAD no frequency). This sequence change replaces arginine, which is basic and polar, with glutamine, which is neutral and polar, at codon 1259 of the SCN10A protein (p.Arg1259Gln).

Literature cited by the submitters: PubMed 28407228 (cited by Labcorp Genetics (formerly Invitae), Labcorp).